The following is an entry in ClinVar:

ClinVar aggregate classification (germline): Uncertain significance. Review status: criteria provided, multiple submitters, no conflicts (2 of 4 stars). 2 submissions from 2 submitters: Uncertain significance (2). Last evaluated 2025-10-06.

Conditions:
Frontotemporal dementia and/or amyotrophic lateral sclerosis 1 (FTDALS1). Also called: Frontotemporal dementia with motor neuron disease 1; C9orf72 Frontotemporal Dementia and/or Amyotrophic Lateral Sclerosis. Identifiers: Orphanet 275872, MedGen C5779877, MONDO:0007105, OMIM 105550.
Paget disease of bone 2, early-onset (PDB2). Also called: Paget disease of bone 2. Identifiers: MedGen C4085251, MONDO:0011183, OMIM 602080.

Submissions (2):

Labcorp Genetics (formerly Invitae), Labcorp
Classification: Uncertain significance for Paget disease of bone 2, early-onset; Frontotemporal dementia and/or amyotrophic lateral sclerosis 1. Last evaluated: 2025-10-06. Review status: criteria provided, single submitter. Criteria: Invitae Variant Classification Sherloc (09022015). Collection method: clinical testing. Allele origin: germline.
Comment: This variant, c.632_634del, results in the deletion of 1 amino acid(s) of the SQSTM1 protein (p.Pro211del), but otherwise preserves the integrity of the reading frame. This variant is present in population databases (rs747274001, gnomAD 0.004%). This variant has not been reported in the literature in individuals affected with SQSTM1-related conditions. Experimental studies and prediction algorithms are not available or were not evaluated, and the functional significance of this variant is currently unknown. In summary, the available evidence is currently insufficient to determine the role of this variant in disease. Therefore, it has been classified as a Variant of Uncertain Significance.

CeGaT Center for Human Genetics Tuebingen
Classification: Uncertain significance. Last evaluated: 2025-04-01. Review status: criteria provided, single submitter. Criteria: CeGaT Center For Human Genetics Tuebingen Variant Classification Criteria Version 2. Collection method: clinical testing. Allele origin: germline. Affected: yes. Observed: 1 variant allele.
Comment: SQSTM1: PM2, PM4:Supporting

NM_003900.5(SQSTM1):c.629CTC[1] (p.Pro211del)

Gene: SQSTM1 (sequestosome 1; plus strand). Cytogenetic location: 5q35.3.
Variant type: Microsatellite.
Coding change: c.629CTC[1] on transcript NM_003900.5 (MANE Select); one copy of the 3-base unit CTC starting at c.629; the reference has two copies in a row; one copy, 3 bases deleted.
Protein change: p.Pro211del; deletes proline 211.
Molecular consequence: inframe deletion.
Genome position (GRCh38, 1-based): chr5:179,824,282-179,824,284, CTC deleted; deleting any 3 consecutive bases within chr5:179,824,277-179,824,284 gives the same sequence; the position shown is the placement nearest the transcript's 3' end. VCF-style (leftmost placement, unchanged base first): chr5-179824276-GTCC-G. GRCh37 (hg19) VCF-style: chr5-179251276-GTCC-G.
Other names: c.377CTC[1], p.Pro127del (NM_001142298.2, NM_001142299.2); short protein forms P211del, P127del.
Identifiers: ClinVar variation 847354 (VCV000847354.16), dbSNP rs747274001, ClinGen allele CA3600583.